The following is an entry in ClinVar:

ClinVar aggregate classification (germline): Conflicting classifications of pathogenicity. Review status: criteria provided, conflicting classifications (1 of 4 stars). 5 submissions from 5 submitters: Uncertain significance (4); Likely benign (1). Last evaluated 2025-11-03.

Conditions:
NEK1-related disorder. Also called: NEK1-related condition.
Amyotrophic lateral sclerosis, susceptibility to, 24. Identifiers: MedGen C4693523, MONDO:0054750, OMIM 617892.
Inborn genetic diseases. Identifiers: MedGen C0950123, MeSH D030342.
Short-rib thoracic dysplasia 6 with or without polydactyly (SRTD6). Also called: SHORT-RIB THORACIC DYSPLASIA 6 WITH POLYDACTYLY; SHORT-RIB THORACIC DYSPLASIA 6 WITHOUT POLYDACTYLY; SHORT RIB-POLYDACTYLY SYNDROME, TYPE IIA; Majewski Syndrome; POLYDACTYLY WITH NEONATAL CHONDRODYSTROPHY, TYPE II. Identifiers: MedGen C0024507, MONDO:0009894, OMIM 263520.

Allele frequency attached by ClinVar (database versions not stated): gnomAD 0.00001; TOPMed 0.00003; ExAC 0.00009.
gnomAD v4.1: 61 of 1,596,126 alleles (0.0038%); highest among the groups gnomAD compares: South Asian, 0.043%; no homozygotes.

Submissions (5):

Dasa
Classification: Likely benign for Amyotrophic lateral sclerosis, susceptibility to, 24. Last evaluated: 2025-11-03. Review status: criteria provided, single submitter. Criteria: DASA Assertion Criteria. Collection method: clinical testing. Allele origin: germline.
Comment: NM_001199397.3(NEK1):c.3607A>T (p.Ser1203Cys) is a missense variant that results in the substitution of serine with cysteine. Computational prediction algorithms are consistent with a benign effect. Therefore, based on the currently available evidence, this variant is classified as likely benign.

PreventionGenetics, part of Exact Sciences
Classification: Uncertain significance for NEK1-related condition. Last evaluated: 2025-06-09. Review status: criteria provided, single submitter. Criteria: ACMG Guidelines, 2015. Collection method: clinical testing. Allele origin: germline.
Comment: The NEK1 c.3523A>T variant is predicted to result in the amino acid substitution p.Ser1175Cys. To our knowledge, this variant has not been reported in the literature. This variant is reported in 0.051% of alleles in individuals of South Asian descent in gnomAD. Although we suspect that this variant may be benign, at this time, the clinical significance of this variant is uncertain due to the absence of conclusive functional and genetic evidence.

Labcorp Genetics (formerly Invitae), Labcorp
Classification: Uncertain significance for Short-rib thoracic dysplasia 6 with or without polydactyly. Last evaluated: 2022-07-27. Review status: criteria provided, single submitter. Criteria: Invitae Variant Classification Sherloc (09022015). Collection method: clinical testing. Allele origin: germline.
Comment: This sequence change replaces serine, which is neutral and polar, with cysteine, which is neutral and slightly polar, at codon 1175 of the NEK1 protein (p.Ser1175Cys). This variant is present in population databases (rs763684777, gnomAD 0.05%). This variant has not been reported in the literature in individuals affected with NEK1-related conditions. Advanced modeling of protein sequence and biophysical properties (such as structural, functional, and spatial information, amino acid conservation, physicochemical variation, residue mobility, and thermodynamic stability) performed at Invitae indicates that this missense variant is not expected to disrupt NEK1 protein function. In summary, the available evidence is currently insufficient to determine the role of this variant in disease. Therefore, it has been classified as a Variant of Uncertain Significance.

Ambry Genetics
Classification: Uncertain significance for Inborn genetic diseases. Last evaluated: 2022-05-05. Review status: criteria provided, single submitter. Criteria: Ambry Variant Classification Scheme 2023. Collection method: clinical testing. Allele origin: germline.

Breakthrough Genomics
Classification: Uncertain significance. Review status: criteria provided, single submitter. Criteria: ACMG Guidelines, 2015. Collection method: not provided. Allele origin: germline. Inheritance: Autosomal recessive inheritance. Affected: yes.

NM_001199397.3(NEK1):c.3607A>T (p.Ser1203Cys)

Gene: NEK1 (NIMA related kinase 1; minus strand). Cytogenetic location: 4q33.
Variant type: single nucleotide variant.
Coding change: c.3607A>T on transcript NM_001199397.3 (MANE Select); coding-DNA position 3607, A replaced by T.
Protein change: p.Ser1203Cys; replaces serine 1203 with cysteine.
Molecular consequence: missense variant. On other transcripts: non-coding transcript variant (1).
Genome position (GRCh38, 1-based): chr4:169,400,628, T>A on the plus strand (A>T on the coding strand, the complement: NEK1 is on the minus strand). VCF-style: chr4-169400628-T-A. GRCh37 (hg19) VCF-style: chr4-170321779-T-A.
Other names: c.3391A>T, p.Ser1131Cys (NM_001199400.3); c.3607A>T, p.Ser1203Cys (NM_001374418.1); c.3523A>T, p.Ser1175Cys (NM_001374419.1, NM_012224.4); c.3472A>T, p.Ser1158Cys (NM_001374420.1); c.3124A>T, p.Ser1042Cys (NM_001374421.1); c.3475A>T, p.Ser1159Cys (NM_001199398.3); c.3316A>T, p.Ser1106Cys (NM_001199399.3); short protein forms S1106C, S1175C, S1042C, S1158C, S1131C, S1159C, S1203C.
Identifiers: ClinVar variation 2080664 (VCV002080664.6), dbSNP rs763684777, ClinGen allele CA3137120.